The following is an entry in ClinVar:

NM_014991.6(WDFY3):c.-31-1G>C

Gene: WDFY3 (WD repeat and FYVE domain containing 3; minus strand). Cytogenetic location: 4q21.23.
Variant type: single nucleotide variant.
Coding change: c.-31-1G>C on transcript NM_014991.6 (MANE Select); the canonical splice acceptor site of the intron before 31 bases upstream of the start codon, G replaced by C.
Molecular consequence: splice acceptor variant.
Genome position (GRCh38, 1-based): chr4:84,860,623, C>G on the plus strand (G>C on the coding strand, the complement: WDFY3 is on the minus strand). VCF-style: chr4-84860623-C-G. GRCh37 (hg19) VCF-style: chr4-85781776-C-G.
Identifiers: ClinVar variation 1678871 (VCV001678871.3), dbSNP rs1432048448, ClinGen allele CA552824409.

ClinVar aggregate classification (germline): Uncertain significance (1 of 4 stars; one submission).

Allele frequency attached by ClinVar (database versions not stated): gnomAD exomes below 0.00001.
gnomAD v4.1: 2 of 1,566,760 alleles (0.00013%); highest among the groups gnomAD compares: Admixed American, 0.0017%; no homozygotes.

Submission:

GeneDx
Classification: Uncertain significance. Last evaluated: 2025-05-29. Review status: criteria provided, single submitter. Criteria: GeneDx Variant Classification Process June 2021. Collection method: clinical testing. Allele origin: germline. Affected: yes.
Comment: In silico analysis supports a deleterious effect on splicing; Has not been previously published as pathogenic or benign to our knowledge